The following is an entry in ClinVar:

NM_006536.7(CLCA2):c.1063G>T (p.Asp355Tyr)

Gene: CLCA2 (chloride channel accessory 2; plus strand). Cytogenetic location: 1p22.3.
Variant type: single nucleotide variant.
Coding change: c.1063G>T on transcript NM_006536.7 (MANE Select); coding-DNA position 1063, G replaced by T.
Protein change: p.Asp355Tyr; replaces aspartic acid 355 with tyrosine.
Molecular consequence: missense variant.
Genome position (GRCh38, 1-based): chr1:86,438,966, G>T. VCF-style: chr1-86438966-G-T. GRCh37 (hg19) VCF-style: chr1-86904649-G-T.
Other names: short protein forms D355Y.
Identifiers: ClinVar variation 2638910 (VCV002638910.24), dbSNP rs55906076, ClinGen allele CA933944.
Genomic context (GRCh38, chr1:86,438,966, plus strand): 5'-GCAGAATTTTATTTGATGCAGATTGTTGAAATTCATACCTTCGTGGGCATTGCCAGTTTC[G>T]ACAGCAAAGGAGAGATCAGAGCCCAGCTACACCAAATTAACAGCAATGATGATCGAAAGT-3'
Protein context (NP_006527.1, residues 345-365): IHTFVGIASF[Asp355Tyr]SKGEIRAQLH

ClinVar aggregate classification (germline): Likely benign (1 of 4 stars; one submission).

Allele frequency attached by ClinVar (database versions not stated): 1000 Genomes Project 30x 0.00203; 1000 Genomes Project 0.00220; ESP Exome Variant Server 0.00408.
gnomAD v4.1: 6,287 of 1,614,016 alleles (0.39%); highest among the groups gnomAD compares: South Asian, 0.66%; 22 homozygotes.

Submission:

CeGaT Center for Human Genetics Tuebingen
Classification: Likely benign. Last evaluated: 2023-04-01. Review status: criteria provided, single submitter. Criteria: CeGaT Center For Human Genetics Tuebingen Variant Classification Criteria Version 2. Collection method: clinical testing. Allele origin: germline. Affected: yes. Observed: 1 variant allele.
Comment: CLCA2: BP4, BS2